The following is an entry in ClinVar:

NM_138295.5(PKD1L1):c.6055-4G>T

Gene: PKD1L1 (polycystin 1 like 1, transient receptor potential channel interacting; minus strand). Cytogenetic location: 7p12.3.
Variant type: single nucleotide variant.
Coding change: c.6055-4G>T on transcript NM_138295.5 (MANE Select); 4 bases into the intron before coding-DNA position 6055, G replaced by T.
Molecular consequence: intron variant.
Genome position (GRCh38, 1-based): chr7:47,835,043, C>A on the plus strand (G>T on the coding strand, the complement: PKD1L1 is on the minus strand). VCF-style: chr7-47835043-C-A. GRCh37 (hg19) VCF-style: chr7-47874641-C-A.
Identifiers: ClinVar variation 3346117 (VCV003346117.1).

ClinVar aggregate classification (germline): Uncertain significance (0 of 4 stars; one submission).

Conditions:
PKD1L1-related disorder. Also called: PKD1L1-related condition.

gnomAD v4.1: 5 of 1,613,644 alleles (0.00031%); highest among the groups gnomAD compares: East Asian, 0.0089%; no homozygotes.

Submission:

PreventionGenetics, part of Exact Sciences
Classification: Uncertain significance for PKD1L1-related condition. Last evaluated: 2024-08-23. Review status: no assertion criteria provided. Collection method: clinical testing. Allele origin: germline.
Comment: The PKD1L1 c.6055-4G>T variant is predicted to interfere with splicing. To our knowledge, this variant has not been reported in the literature. This variant is reported in 0.0055% of alleles in individuals of East Asian descent in gnomAD. At this time, the clinical significance of this variant is uncertain due to the absence of conclusive functional and genetic evidence.